The following is an entry in ClinVar:

NM_033004.4(NLRP1):c.1850T>G (p.Leu617Arg)

Gene: NLRP1 (NLR family pyrin domain containing 1; minus strand). Cytogenetic location: 17p13.2.
Variant type: single nucleotide variant.
Coding change: c.1850T>G on transcript NM_033004.4 (MANE Select); coding-DNA position 1850, T replaced by G.
Protein change: p.Leu617Arg; replaces leucine 617 with arginine.
Molecular consequence: missense variant.
Genome position (GRCh38, 1-based): chr17:5,558,846, A>C on the plus strand (T>G on the coding strand, the complement: NLRP1 is on the minus strand). VCF-style: chr17-5558846-A-C. GRCh37 (hg19) VCF-style: chr17-5462166-A-C.
Other names: c.1850T>G, p.Leu617Arg (NM_033006.4, NM_033007.4, NM_001033053.3 and 1 more transcripts); short protein forms L617R.
Identifiers: ClinVar variation 2088703 (VCV002088703.4), dbSNP rs1283426699, ClinGen allele CA397384365.

ClinVar aggregate classification (germline): Uncertain significance (1 of 4 stars; one submission).

gnomAD v4.1: 2 of 1,614,220 alleles (0.00012%); highest among the groups gnomAD compares: Non-Finnish European, 0.000085%; no homozygotes.

Submission:

Labcorp Genetics (formerly Invitae), Labcorp
Classification: Uncertain significance. Last evaluated: 2022-04-06. Review status: criteria provided, single submitter. Criteria: Invitae Variant Classification Sherloc (09022015). Collection method: clinical testing. Allele origin: germline.
Comment: In summary, the available evidence is currently insufficient to determine the role of this variant in disease. Therefore, it has been classified as a Variant of Uncertain Significance. Algorithms developed to predict the effect of missense changes on protein structure and function output the following: SIFT: "Deleterious"; PolyPhen-2: "Benign"; Align-GVGD: "Class C0". The arginine amino acid residue is found in multiple mammalian species, which suggests that this missense change does not adversely affect protein function. This variant has not been reported in the literature in individuals affected with NLRP1-related conditions. This variant is present in population databases (no rsID available, gnomAD no frequency). This sequence change replaces leucine, which is neutral and non-polar, with arginine, which is basic and polar, at codon 617 of the NLRP1 protein (p.Leu617Arg).